The following is an entry in ClinVar:

ClinVar aggregate classification (germline): Uncertain significance. Review status: criteria provided, multiple submitters, no conflicts (2 of 4 stars). 2 submissions from 2 submitters: Uncertain significance (2). Last evaluated 2026-05-31.

Conditions:
AMER1-related disorder. Also called: AMER1-related condition.

Allele frequency attached by ClinVar (database versions not stated): gnomAD 0.00001; TOPMed 0.00007.

Submissions (2):

PreventionGenetics, part of Exact Sciences
Classification: Uncertain significance for AMER1-related condition. Last evaluated: 2026-05-31. Review status: criteria provided, single submitter. Criteria: ACMG Guidelines, 2015. Collection method: clinical testing. Allele origin: germline.
Comment: The AMER1 c.1066A>T variant is predicted to result in the amino acid substitution p.Thr356Ser. To our knowledge, this variant has not been reported in the literature or in a large population database (gnomAD), indicating this variant is rare. This variant is classified as having uncertain clinical significance in the ClinVar database (Variation ID: 1929208). At this time, the clinical significance of this variant is uncertain due to the absence of conclusive functional and genetic evidence.

Labcorp Genetics (formerly Invitae), Labcorp
Classification: Uncertain significance. Last evaluated: 2025-10-06. Review status: criteria provided, single submitter. Criteria: Invitae Variant Classification Sherloc (09022015). Collection method: clinical testing. Allele origin: germline.
Comment: This sequence change replaces threonine, which is neutral and polar, with serine, which is neutral and polar, at codon 356 of the AMER1 protein (p.Thr356Ser). This variant is not present in population databases (gnomAD no frequency). This variant has not been reported in the literature in individuals affected with AMER1-related conditions. ClinVar contains an entry for this variant (Variation ID: 1929208). An algorithm developed to predict the effect of missense changes on protein structure and function (PolyPhen-2) suggests that this variant is likely to be disruptive. In summary, the available evidence is currently insufficient to determine the role of this variant in disease. Therefore, it has been classified as a Variant of Uncertain Significance.

NM_152424.4(AMER1):c.1066A>T (p.Thr356Ser)

Gene: AMER1 (APC membrane recruitment protein 1; minus strand). Cytogenetic location: Xq11.2.
Variant type: single nucleotide variant.
Coding change: c.1066A>T on transcript NM_152424.4 (MANE Select); coding-DNA position 1066, A replaced by T.
Protein change: p.Thr356Ser; replaces threonine 356 with serine.
Molecular consequence: missense variant.
Genome position (GRCh38, 1-based): chrX:64,192,221, T>A on the plus strand (A>T on the coding strand, the complement: AMER1 is on the minus strand). VCF-style: chrX-64192221-T-A. GRCh37 (hg19) VCF-style: chrX-63412101-T-A.
Other names: c.1066A>T (NM_152424.3); short protein forms T356S.
Identifiers: ClinVar variation 1929208 (VCV001929208.6), dbSNP rs1930265020, ClinGen allele CA413308569.